The following is an entry in ClinVar:

ClinVar aggregate classification (germline): Uncertain significance. Review status: criteria provided, multiple submitters, no conflicts (2 of 4 stars). 2 submissions from 2 submitters: Uncertain significance (2). Last evaluated 2022-01-17.

Conditions:
Epilepsy, progressive myoclonic, 1B. Also called: PME. Identifiers: Orphanet 308, MedGen C2676254, MONDO:0012904, OMIM 612437.

Allele frequency attached by ClinVar (database versions not stated): gnomAD exomes below 0.00001; TOPMed below 0.00001; ExAC 0.00001.
gnomAD v4.1: 9 of 1,614,120 alleles (0.00056%); highest among the groups gnomAD compares: Non-Finnish European, 0.00076%; no homozygotes.

Submissions (2):

Labcorp Genetics (formerly Invitae), Labcorp
Classification: Uncertain significance for Epilepsy, progressive myoclonic, 1B. Last evaluated: 2022-01-17. Review status: criteria provided, single submitter. Criteria: Invitae Variant Classification Sherloc (09022015). Collection method: clinical testing. Allele origin: germline.
Comment: This sequence change replaces arginine, which is basic and polar, with tryptophan, which is neutral and slightly polar, at codon 676 of the PRICKLE1 protein (p.Arg676Trp). This variant is present in population databases (rs779314205, gnomAD 0.0009%). This missense change has been observed in individual(s) with cleft lip and palate (PMID: 24689077). ClinVar contains an entry for this variant (Variation ID: 842601). Algorithms developed to predict the effect of missense changes on protein structure and function (SIFT, PolyPhen-2, Align-GVGD) all suggest that this variant is likely to be disruptive. In summary, the available evidence is currently insufficient to determine the role of this variant in disease. Therefore, it has been classified as a Variant of Uncertain Significance.

Revvity Omics, Revvity
Classification: Uncertain significance for Epilepsy, progressive myoclonic, 1B. Last evaluated: 2021-04-13. Review status: criteria provided, single submitter. Criteria: ACMG Guidelines, 2015. Collection method: clinical testing. Allele origin: germline.

Literature cited by the submitters: PubMed 24689077 (cited by Labcorp Genetics (formerly Invitae), Labcorp).

NM_153026.3(PRICKLE1):c.2026C>T (p.Arg676Trp)

Gene: PRICKLE1 (prickle planar cell polarity protein 1; minus strand). Cytogenetic location: 12q12.
Variant type: single nucleotide variant.
Coding change: c.2026C>T on transcript NM_153026.3 (MANE Select); coding-DNA position 2026, C replaced by T.
Protein change: p.Arg676Trp; replaces arginine 676 with tryptophan.
Molecular consequence: missense variant.
Genome position (GRCh38, 1-based): chr12:42,460,279, G>A on the plus strand (C>T on the coding strand, the complement: PRICKLE1 is on the minus strand). VCF-style: chr12-42460279-G-A. GRCh37 (hg19) VCF-style: chr12-42854081-G-A.
Other names: c.2026C>T, p.Arg676Trp (NM_001144881.2, NM_001144882.2, NM_001144883.2); short protein forms R676W.
Identifiers: ClinVar variation 842601 (VCV000842601.9), dbSNP rs779314205, ClinGen allele CA6519663.